The following is an entry in ClinVar:

ClinVar aggregate classification (germline): Pathogenic. Review status: criteria provided, multiple submitters, no conflicts (2 of 4 stars). 6 submissions from 6 submitters: Pathogenic (6). Last evaluated 2025-10-01.

Conditions:
USH2A-related disorder. Also called: USH2A-related disorders; USH2A-related condition. Identifiers: MedGen CN239332.
Retinitis pigmentosa 39 (RP39). Identifiers: Orphanet 791, MedGen C3151138, MONDO:0013436, OMIM 613809.
Usher syndrome type 2A. Also called: USHER SYNDROME, TYPE IIA; RETINAL DISEASE IN USHER SYNDROME TYPE IIA, MODIFIER OF. Identifiers: Orphanet 231178, Orphanet 886, MedGen C1848634, MONDO:0010169, OMIM 276901.

Allele frequency attached by ClinVar (database versions not stated): gnomAD exomes below 0.00001.
gnomAD v4.1: 1 of 1,614,050 alleles (0.000062%); highest among the groups gnomAD compares: Non-Finnish European, 0.000085%; no homozygotes.

Submissions (6):

Labcorp Genetics (formerly Invitae), Labcorp
Classification: Pathogenic. Last evaluated: 2025-10-01. Review status: criteria provided, single submitter. Criteria: Invitae Variant Classification Sherloc (09022015). Collection method: clinical testing. Allele origin: germline.
Comment: This sequence change creates a premature translational stop signal (p.Cys691*) in the USH2A gene. It is expected to result in an absent or disrupted protein product. Loss-of-function variants in USH2A are known to be pathogenic (PMID: 10729113, 10909849, 20507924, 25649381). This variant is not present in population databases (gnomAD no frequency). This premature translational stop signal has been observed in individual(s) with Usher syndrome (PMID: 15325563). ClinVar contains an entry for this variant (Variation ID: 816945). For these reasons, this variant has been classified as Pathogenic.

Natera, Inc.
Classification: Pathogenic for Usher syndrome type 2A. Last evaluated: 2025-09-05. Review status: criteria provided, single submitter. Criteria: Natera Variant Classification Schema (03/2026). Collection method: clinical testing. Allele origin: germline.
Comment: The c.2073C>A variant in USH2A is a nonsense variant predicted to introduce a stop codon at amino acid 691. This variant is expected to result in nonsense mediated decay, truncation, or a dysfunctional protein product. This variant is rare in the general population with a frequency below the threshold expected for the associated phenotype(s). This variant has been observed in one or more individuals affected with the associated recessive disease, as either homozygous or compound heterozygous with a second variant (PMID: 28944237). Given the available evidence, this variant is classified as Pathogenic.

Fulgent Genetics
Classification: Pathogenic for Usher syndrome type 2A; Retinitis pigmentosa 39. Last evaluated: 2024-06-17. Review status: criteria provided, single submitter. Criteria: ACMG Guidelines, 2015. Collection method: clinical testing. Allele origin: germline.

Genome-Nilou Lab
Classification: Pathogenic for Usher syndrome type 2A. Last evaluated: 2023-11-04. Review status: criteria provided, single submitter. Criteria: ACMG Guidelines, 2015. Collection method: clinical testing. Allele origin: germline. Affected: no.

Blueprint Genetics
Classification: Pathogenic for USH2A-related disorders. Last evaluated: 2020-03-25. Review status: criteria provided, single submitter. Criteria: ACMG Guidelines, 2015. Collection method: clinical testing. Allele origin: germline. Affected: yes. Observed: 4 variant alleles.

GeneDx
Classification: Pathogenic. Last evaluated: 2019-03-20. Review status: criteria provided, single submitter. Criteria: GeneDx Variant Classification (06012015). Collection method: clinical testing. Allele origin: germline. Affected: yes.
Comment: The C691X nonsense variant has been observed previously with other heterozygous USH2A variants in patients with USH2A-related disorders (Sandberg et al., 2008; Neuhaus et al., 2017). The variant is not observed in large population cohorts (Lek et al., 2016). This variant is predicted to cause loss of normal protein function either through protein truncation or nonsense-mediated mRNA decay. We interpret this variant as pathogenic.

Literature cited by the submitters: PubMed 10729113 (cited by Labcorp Genetics (formerly Invitae), Labcorp); PubMed 10909849 (cited by Labcorp Genetics (formerly Invitae), Labcorp); PubMed 20507924 (cited by Labcorp Genetics (formerly Invitae), Labcorp); PubMed 25649381 (cited by Labcorp Genetics (formerly Invitae), Labcorp); PubMed 15325563 (cited by Labcorp Genetics (formerly Invitae), Labcorp); PubMed 28944237 (cited by Natera, Inc.).

NM_206933.4(USH2A):c.2073C>A (p.Cys691Ter)

Gene: USH2A (usherin; minus strand). Cytogenetic location: 1q41.
Variant type: single nucleotide variant.
Coding change: c.2073C>A on transcript NM_206933.4 (MANE Select); coding-DNA position 2073, C replaced by A.
Protein change: p.Cys691Ter; replaces cysteine 691 with a stop codon.
Molecular consequence: nonsense.
Genome position (GRCh38, 1-based): chr1:216,250,997, G>T on the plus strand (C>A on the coding strand, the complement: USH2A is on the minus strand). VCF-style: chr1-216250997-G-T. GRCh37 (hg19) VCF-style: chr1-216424339-G-T.
Other names: c.2073C>A, p.Cys691Ter (NM_007123.6); short protein forms C691*.
Identifiers: ClinVar variation 816945 (VCV000816945.10), dbSNP rs376674482, ClinGen allele CA344866417.
Genomic context (GRCh38, chr1:216,250,997, plus strand): 5'-ATTTTGGTGACAGGTAATATCTCCATCCACTGTCCCAGAGGTATTGCAGTTACAGGGACT[G>T]CAGCCATCAGGATCCAACTCTTGTAGATTGTAGAATCCATTCTGGCACTGATTGCACTGC-3'